The following is an entry in ClinVar:

NM_015102.5(NPHP4):c.753C>G (p.Ser251=)

Gene: NPHP4 (nephrocystin 4; minus strand). Cytogenetic location: 1p36.31.
Variant type: single nucleotide variant.
Coding change: c.753C>G on transcript NM_015102.5 (MANE Select); coding-DNA position 753, C replaced by G.
Protein change: p.Ser251=; no amino-acid change (serine 251 retained).
Molecular consequence: synonymous variant. On other transcripts: 5 prime UTR variant (1), non-coding transcript variant (1), intron variant (1).
Genome position (GRCh38, 1-based): chr1:5,952,757, G>C on the plus strand (C>G on the coding strand, the complement: NPHP4 is on the minus strand). VCF-style: chr1-5952757-G-C. GRCh37 (hg19) VCF-style: chr1-6012817-G-C.
Other names: c.753C>G (NM_015102.4); c.-614C>G (NM_001291594.2); c.-556-4506C>G (NM_001291593.2).
Identifiers: ClinVar variation 4773870 (VCV004773870.2).

ClinVar aggregate classification (germline): Likely benign. Review status: criteria provided, multiple submitters, no conflicts (2 of 4 stars). 2 submissions from 2 submitters: Likely benign (2). Last evaluated 2025-06-12.

Conditions:
Nephronophthisis. Also called: Juvenile Nephronophthisis. Identifiers: Orphanet 655, MedGen C0687120, MONDO:0019005, HP:0000090.
NPHP4-related disorder. Also called: NPHP4-related condition; NPHP4-related disorders. Identifiers: MedGen CN239384.

Submissions (2):

Labcorp Genetics (formerly Invitae), Labcorp
Classification: Likely benign for Nephronophthisis. Last evaluated: 2025-06-12. Review status: criteria provided, single submitter. Criteria: Invitae Variant Classification Sherloc (09022015). Collection method: clinical testing. Allele origin: germline.

PreventionGenetics, part of Exact Sciences
Classification: Likely benign for NPHP4-related condition. Last evaluated: 2025-02-04. Review status: criteria provided, single submitter. Criteria: ACMG Guidelines, 2015. Collection method: clinical testing. Allele origin: germline.
Comment: This variant is classified as likely benign based on ACMG/AMP sequence variant interpretation guidelines (Richards et al. 2015 PMID: 25741868, with internal and published modifications).